The following is an entry in ClinVar:

NM_001183.6(ATP6AP1):c.331A>G (p.Asn111Asp)

Gene: ATP6AP1 (ATPase H+ transporting accessory protein 1; plus strand). Cytogenetic location: Xq28.
Variant type: single nucleotide variant.
Coding change: c.331A>G on transcript NM_001183.6 (MANE Select); coding-DNA position 331, A replaced by G.
Protein change: p.Asn111Asp; replaces asparagine 111 with aspartic acid.
Molecular consequence: missense variant.
Genome position (GRCh38, 1-based): chrX:154,431,872, A>G. VCF-style: chrX-154431872-A-G. GRCh37 (hg19) VCF-style: chrX-153660218-A-G.
Other names: short protein forms N111D.
Identifiers: ClinVar variation 4744496 (VCV004744496.1).

ClinVar aggregate classification (germline): Uncertain significance (1 of 4 stars; one submission).

Submission:

Labcorp Genetics (formerly Invitae), Labcorp
Classification: Uncertain significance. Last evaluated: 2025-04-11. Review status: criteria provided, single submitter. Criteria: Invitae Variant Classification Sherloc (09022015). Collection method: clinical testing. Allele origin: germline.
Comment: This sequence change replaces asparagine, which is neutral and polar, with aspartic acid, which is acidic and polar, at codon 111 of the ATP6AP1 protein (p.Asn111Asp). This variant is not present in population databases (gnomAD no frequency). This variant has not been reported in the literature in individuals affected with ATP6AP1-related conditions. Invitae Evidence Modeling of protein sequence and biophysical properties (such as structural, functional, and spatial information, amino acid conservation, physicochemical variation, residue mobility, and thermodynamic stability) indicates that this missense variant is not expected to disrupt ATP6AP1 protein function with a negative predictive value of 80%. In summary, the available evidence is currently insufficient to determine the role of this variant in disease. Therefore, it has been classified as a Variant of Uncertain Significance.